The following is an entry in ClinVar:

ClinVar aggregate classification (germline): Benign/Likely benign. Review status: criteria provided, multiple submitters, no conflicts (2 of 4 stars). 3 submissions from 3 submitters: Benign (1); Likely benign (2). Last evaluated 2026-05-01.

gnomAD v4.1: 961 of 1,608,616 alleles (0.06%); highest among the groups gnomAD compares: African/African-American, 1.1%; 32 homozygotes.

Submissions (3):

CeGaT Center for Human Genetics Tuebingen
Classification: Benign. Last evaluated: 2026-05-01. Review status: criteria provided, single submitter. Criteria: CeGaT Center For Human Genetics Tuebingen Variant Classification Criteria Version 2. Collection method: clinical testing. Allele origin: germline. Affected: yes. Observed: 1 variant allele.
Comment: CFHR4: BP4, BS1, BS2

Women's Health and Genetics/Laboratory Corporation of America, LabCorp
Classification: Likely benign. Last evaluated: 2026-01-28. Review status: criteria provided, single submitter. Criteria: LabCorp Variant Classification Summary - May 2015. Collection method: clinical testing. Allele origin: germline.
Comment: Variant summary: CFHR4 c.1234C>T (p.Arg412Trp) results in a non-conservative amino acid change in the encoded protein sequence. Algorithms developed to predict the effect of missense changes on protein structure and function are either unavailable or do not agree on the potential impact of this missense change. The variant allele was found at a frequency of 0.00084 in 247442 control chromosomes, predominantly at a frequency of 0.011 within the African or African-American subpopulation in the gnomAD database, including 8 homozygotes. The observed variant frequency within African or African-American control individuals in the gnomAD database exceeds the estimated maximal expected allele frequency for disease-causing variants in CFHR4. To our knowledge, no occurrence of c.1234C>T in individuals affected with CFHR4-related conditions and no experimental evidence demonstrating its impact on protein function have been reported. The following publication has been ascertained in the context of this evaluation (PMID: 29686068). ClinVar contains an entry for this variant (Variation ID: 4684004). Based on the evidence outlined above, the variant was classified as likely benign.

Mayo Clinic Laboratories, Mayo Clinic
Classification: Likely benign. Last evaluated: 2024-03-20. Review status: criteria provided, single submitter. Criteria: ACMG Guidelines, 2015. Collection method: clinical testing. Allele origin: germline. Observed: 11 variant alleles.
Comment: BS1, BP4

Literature cited by the submitters: PubMed 29686068 (cited by Women's Health and Genetics/Laboratory Corporation of America, LabCorp); PubMed 36160640 (cited by Mayo Clinic Laboratories, Mayo Clinic).

NM_001201550.3(CFHR4):c.1234C>T (p.Arg412Trp)

Gene: CFHR4 (complement factor H related 4; plus strand). Cytogenetic location: 1q31.3.
Variant type: single nucleotide variant.
Coding change: c.1234C>T on transcript NM_001201550.3 (MANE Select); coding-DNA position 1234, C replaced by T.
Protein change: p.Arg412Trp; replaces arginine 412 with tryptophan.
Molecular consequence: missense variant.
Genome position (GRCh38, 1-based): chr1:196,914,548, C>T. VCF-style: chr1-196914548-C-T. GRCh37 (hg19) VCF-style: chr1-196883678-C-T.
Other names: p.Arg411Trp; c.1231C>T, p.Arg411Trp (NM_001201551.2); c.493C>T, p.Arg165Trp (NM_006684.5); short protein forms R165W, R411W, R412W.
Identifiers: ClinVar variation 4684004 (VCV004684004.4).